The following is an entry in ClinVar:

ClinVar aggregate classification (germline): Likely benign. Review status: criteria provided, multiple submitters, no conflicts (2 of 4 stars). 2 submissions from 2 submitters: Likely benign (2). Last evaluated 2025-11-24.

Conditions:
Cortical dysplasia-focal epilepsy syndrome (PTHSL1). Also called: Pitt-Hopkins-like syndrome 1. Identifiers: Orphanet 163681, Orphanet 221150, MedGen C2750246, MONDO:0012400, OMIM 610042.

Allele frequency attached by ClinVar (database versions not stated): TOPMed 0.00003.
gnomAD v4.1: 6 of 1,613,592 alleles (0.00037%); highest among the groups gnomAD compares: African/African-American, 0.008%; no homozygotes.

Submissions (2):

Labcorp Genetics (formerly Invitae), Labcorp
Classification: Likely benign for Cortical dysplasia-focal epilepsy syndrome. Last evaluated: 2025-11-24. Review status: criteria provided, single submitter. Criteria: Invitae Variant Classification Sherloc (09022015). Collection method: clinical testing. Allele origin: germline.

GeneDx
Classification: Likely benign. Last evaluated: 2017-05-25. Review status: criteria provided, single submitter. Criteria: GeneDx Variant Classification (06012015). Collection method: clinical testing. Allele origin: germline. Affected: yes.
Comment: This variant is considered likely benign or benign based on one or more of the following criteria: it is a conservative change, it occurs at a poorly conserved position in the protein, it is predicted to be benign by multiple in silico algorithms, and/or has population frequency not consistent with disease.

NM_014141.6(CNTNAP2):c.1165C>A (p.Arg389=)

Gene: CNTNAP2 (contactin associated protein 2; plus strand). Cytogenetic location: 7q35.
Variant type: single nucleotide variant.
Coding change: c.1165C>A on transcript NM_014141.6 (MANE Select); coding-DNA position 1165, C replaced by A.
Protein change: p.Arg389=; no amino-acid change (arginine 389 retained).
Molecular consequence: synonymous variant.
Genome position (GRCh38, 1-based): chr7:147,132,326, C>A. VCF-style: chr7-147132326-C-A. GRCh37 (hg19) VCF-style: chr7-146829418-C-A.
Identifiers: ClinVar variation 509848 (VCV000509848.10), dbSNP rs375172684, ClinGen allele CA168690904.
Genomic context (GRCh38, chr7:147,132,326, plus strand): 5'-GTGGAACCCTATACGGTGCCTGTCTTTTTCAACGCTACAAGTTACCTGGAGGTGCCCGGA[C>A]GGCTTAACCAGGACCTGTTCTCAGTCAGTTTCCAGTTTAGGACATGGAACCCCAATGGTC-3'
Protein context (NP_054860.1, residues 379-399): NATSYLEVPG[Arg389=]LNQDLFSVSF